The following is an entry in ClinVar:

ClinVar aggregate classification (germline): Conflicting classifications of pathogenicity. Review status: criteria provided, conflicting classifications (1 of 4 stars). 3 submissions from 3 submitters: Uncertain significance (2); Likely benign (1). Last evaluated 2025-12-13.

Conditions:
Arrhythmogenic right ventricular dysplasia 8 (ARVD8). Also called: ARRHYTHMOGENIC RIGHT VENTRICULAR DYSPLASIA, FAMILIAL, 8; ARRHYTHMOGENIC RIGHT VENTRICULAR CARDIOMYOPATHY 8; Arrhythmogenic Right Ventricular Dysplasia/Cardiomyopathy 8. Identifiers: MedGen C1843896, MONDO:0011831, OMIM 607450.
Arrhythmogenic cardiomyopathy with wooly hair and keratoderma. Also called: Arrhythmogenic cardiomyopathy with woolly hair and keratoderma; PALMOPLANTAR KERATODERMA WITH LEFT VENTRICULAR CARDIOMYOPATHY AND WOOLLY HAIR; Dilated cardiomyopathy with woolly hair and keratoderma; Carvajal syndrome. Identifiers: Orphanet 65282, MedGen C1854063, MONDO:0011581, OMIM 605676.
Cardiomyopathy (CMYO). Also called: Cardiomyopathies. Identifiers: Orphanet 167848, MedGen C0878544, MONDO:0004994, HP:0001638. Inheritance: Various modes of inheritance.

Allele frequency attached by ClinVar (database versions not stated): gnomAD exomes 0.00001.
gnomAD v4.1: 12 of 1,614,114 alleles (0.00074%); highest among the groups gnomAD compares: Admixed American, 0.005%; no homozygotes.

Submissions (3):

Labcorp Genetics (formerly Invitae), Labcorp
Classification: Likely benign for Arrhythmogenic cardiomyopathy with wooly hair and keratoderma; Arrhythmogenic right ventricular dysplasia 8. Last evaluated: 2025-12-13. Review status: criteria provided, single submitter. Criteria: Invitae Variant Classification Sherloc (09022015). Collection method: clinical testing. Allele origin: germline.

All of Us Research Program, National Institutes of Health
Classification: Uncertain significance for Arrhythmogenic cardiomyopathy with wooly hair and keratoderma. Last evaluated: 2023-10-06. Review status: criteria provided, single submitter. Criteria: ACMG Guidelines, 2015. Collection method: clinical testing. Allele origin: germline. Inheritance: Autosomal dominant inheritance. Observed: 1 variant allele, 1 heterozygote.
Comment: This missense variant replaces glycine with serine at codon 2364 of the DSP protein. Computational prediction is inconclusive regarding the impact of this variant on protein structure and function (internally defined REVEL score threshold 0.5 < inconclusive < 0.7, PMID: 27666373). To our knowledge, functional studies have not been reported for this variant. This variant has not been reported in individuals affected with cardiovascular disorders in the literature. This variant has been identified in 4/251410 chromosomes in the general population by the Genome Aggregation Database (gnomAD). The available evidence is insufficient to determine the role of this variant in disease conclusively. Therefore, this variant is classified as a Variant of Uncertain Significance.

This study involves interpretation of variants in research participants for the purpose of population health screening. Participant phenotype was not available at the time of variant classification. Additional details can be found in publication PMID: 35346344, PMCID: PMC8962531

Color Diagnostics, LLC DBA Color Health
Classification: Uncertain significance for Cardiomyopathy. Last evaluated: 2023-09-21. Review status: criteria provided, single submitter. Criteria: ACMG Guidelines, 2015. Collection method: clinical testing. Allele origin: germline.
Comment: This missense variant replaces glycine with serine at codon 2364 of the DSP protein. Computational prediction is inconclusive regarding the impact of this variant on protein structure and function. To our knowledge, functional studies have not been reported for this variant. This variant has not been reported in individuals affected with cardiovascular disorders in the literature. This variant has been identified in 4/251410 chromosomes in the general population by the Genome Aggregation Database (gnomAD). The available evidence is insufficient to determine the role of this variant in disease conclusively. Therefore, this variant is classified as a Variant of Uncertain Significance.

NM_004415.4(DSP):c.7090G>A (p.Gly2364Ser)

Gene: DSP (desmoplakin; plus strand). Cytogenetic location: 6p24.3.
Variant type: single nucleotide variant.
Coding change: c.7090G>A on transcript NM_004415.4 (MANE Select); coding-DNA position 7090, G replaced by A.
Protein change: p.Gly2364Ser; replaces glycine 2364 with serine.
Molecular consequence: missense variant.
Genome position (GRCh38, 1-based): chr6:7,584,352, G>A. VCF-style: chr6-7584352-G-A. GRCh37 (hg19) VCF-style: chr6-7584585-G-A.
Other names: c.5293G>A, p.Gly1765Ser (NM_001008844.3); c.5761G>A, p.Gly1921Ser (NM_001319034.2); short protein forms G1765S, G2364S, G1921S.
Identifiers: ClinVar variation 2150065 (VCV002150065.6), dbSNP rs1197311272, ClinGen allele CA362692214.